The following is an entry in ClinVar:

ClinVar aggregate classification (germline): Uncertain significance (1 of 4 stars; one submission).

Submission:

Labcorp Genetics (formerly Invitae), Labcorp
Classification: Uncertain significance. Last evaluated: 2022-10-27. Review status: criteria provided, single submitter. Criteria: Invitae Variant Classification Sherloc (09022015). Collection method: clinical testing. Allele origin: germline.
Comment: In summary, the available evidence is currently insufficient to determine the role of this variant in disease. Therefore, it has been classified as a Variant of Uncertain Significance. Algorithms developed to predict the effect of sequence changes on RNA splicing suggest that this variant may create or strengthen a splice site. This variant has not been reported in the literature in individuals affected with CACNA2D4-related conditions. This variant is not present in population databases (gnomAD no frequency). This sequence change falls in intron 2 of the CACNA2D4 gene. It does not directly change the encoded amino acid sequence of the CACNA2D4 protein.

NM_172364.5(CACNA2D4):c.310-5A>G

Gene: CACNA2D4 (calcium voltage-gated channel auxiliary subunit alpha2delta 4; minus strand). Cytogenetic location: 12p13.33.
Variant type: single nucleotide variant.
Coding change: c.310-5A>G on transcript NM_172364.5 (MANE Select); 5 bases into the intron before coding-DNA position 310, A replaced by G.
Molecular consequence: intron variant.
Genome position (GRCh38, 1-based): chr12:1,913,144, T>C on the plus strand (A>G on the coding strand, the complement: CACNA2D4 is on the minus strand). VCF-style: chr12-1913144-T-C. GRCh37 (hg19) VCF-style: chr12-2022310-T-C.
Identifiers: ClinVar variation 2810225 (VCV002810225.3), dbSNP rs2497356189, ClinGen allele CA2575044296.